The following is an entry in ClinVar:

ClinVar aggregate classification (germline): Uncertain significance (1 of 4 stars; one submission).

Submission:

Labcorp Genetics (formerly Invitae), Labcorp
Classification: Uncertain significance. Last evaluated: 2022-07-05. Review status: criteria provided, single submitter. Criteria: Invitae Variant Classification Sherloc (09022015). Collection method: clinical testing. Allele origin: germline.
Comment: A copy number gain of the genomic region encompassing the full coding sequence of the NKX6-2 gene has been identified. The boundaries of this event are unknown as they extend beyond the assayed region for this gene and therefore may encompass additional genes. As the precise location of this event is unknown, it may be in tandem or it may be located elsewhere in the genome. This variant has not been reported in the literature in individuals affected with NKX6-2-related conditions. In summary, the available evidence is currently insufficient to determine the role of this variant in disease. Therefore, it has been classified as a Variant of Uncertain Significance.

NC_000010.10:g.(?_134598420)_(135373622_?)dup

Genes: ADAM8 (ADAM metallopeptidase domain 8; minus strand), CALY (calcyon neuron specific vesicular protein; minus strand), CFAP46 (cilia and flagella associated protein 46; minus strand), ADGRA1 (adhesion G protein-coupled receptor A1; plus strand), CYP2E1 (cytochrome P450 family 2 subfamily E member 1; plus strand) and 14 more. Cytogenetic location: 10q26.3.
Variant type: Duplication.
Identifiers: ClinVar variation 2427551 (VCV002427551.1).